The following is an entry in ClinVar:

ClinVar aggregate classification (germline): Conflicting classifications of pathogenicity. Review status: criteria provided, conflicting classifications (1 of 4 stars). 2 submissions from 2 submitters: Likely pathogenic (1); Uncertain significance (1). Last evaluated 2022-10-05.

Conditions:
Peutz-Jeghers syndrome (PJS). Also called: POLYPOSIS, HAMARTOMATOUS INTESTINAL; POLYPS-AND-SPOTS SYNDROME; Peutz-Jeghers polyposis; Periorificial lentiginosis syndrome. Identifiers: Orphanet 2869, MedGen C0031269, MeSH D010580, MONDO:0008280, OMIM 175200.

Submissions (2):

Labcorp Genetics (formerly Invitae), Labcorp
Classification: Uncertain significance for Peutz-Jeghers syndrome. Last evaluated: 2022-10-05. Review status: criteria provided, single submitter. Criteria: Invitae Variant Classification Sherloc (09022015). Collection method: clinical testing. Allele origin: germline.
Comment: Advanced modeling of protein sequence and biophysical properties (such as structural, functional, and spatial information, amino acid conservation, physicochemical variation, residue mobility, and thermodynamic stability) performed at Invitae indicates that this missense variant is expected to disrupt STK11 protein function. In summary, the available evidence is currently insufficient to determine the role of this variant in disease. Therefore, it has been classified as a Variant of Uncertain Significance. This variant disrupts the p.Ile303 amino acid residue in STK11. Other variant(s) that disrupt this residue have been observed in individuals with STK11-related conditions (PMID: 24949325), which suggests that this may be a clinically significant amino acid residue. ClinVar contains an entry for this variant (Variation ID: 167721). This missense change has been observed in individual(s) with hamartomatous polyps (Invitae). This variant is not present in population databases (gnomAD no frequency). This sequence change replaces isoleucine, which is neutral and non-polar, with serine, which is neutral and polar, at codon 303 of the STK11 protein (p.Ile303Ser).

Eurofins Ntd Llc (ga)
Classification: Likely pathogenic. Last evaluated: 2014-04-09. Review status: criteria provided, single submitter. Criteria: EGL Classification Definitions 2015. Collection method: clinical testing. Allele origin: germline. Observed: 1 variant allele, 1 heterozygote.

Literature cited by the submitters: PubMed 24949325 (cited by Labcorp Genetics (formerly Invitae), Labcorp).

NC_000019.10:g.1221994T>G

Gene: STK11 (serine/threonine kinase 11; plus strand). Cytogenetic location: 19p13.3.
Variant type: single nucleotide variant.
Genome position: GRCh38 VCF-style: chr19-1221994-T-G. GRCh37 (hg19) VCF-style: chr19-1221993-T-G.
Other names: c.908T>G, p.Ile303Ser (LRG_319t1).
Identifiers: ClinVar variation 167721 (VCV000167721.9), dbSNP rs727504171, ClinGen allele CA023344.